The following is an entry in ClinVar:

NM_018389.5(SLC35C1):c.*1074C>T

Gene: SLC35C1 (solute carrier family 35 member C1; plus strand). Cytogenetic location: 11p11.2.
Variant type: single nucleotide variant.
Coding change: c.*1074C>T on transcript NM_018389.5 (MANE Select); 1074 bases downstream of the stop codon, C replaced by T.
Molecular consequence: 3 prime UTR variant.
Genome position (GRCh38, 1-based): chr11:45,812,409, C>T. VCF-style: chr11-45812409-C-T. GRCh37 (hg19) VCF-style: chr11-45833960-C-T.
Other names: c.*1074C>T (NM_001145265.2, NM_001145266.2).
Identifiers: ClinVar variation 304755 (VCV000304755.6), dbSNP rs4756026, ClinGen allele CA10639174.

ClinVar aggregate classification (germline): Benign. Review status: criteria provided, multiple submitters, no conflicts (2 of 4 stars). 2 submissions from 2 submitters: Benign (2). Last evaluated 2018-01-13.

Conditions:
Leukocyte adhesion deficiency type II. Also called: CONGENITAL DISORDER OF GLYCOSYLATION, TYPE IIc; CDG IIc; Congenital disorder of glycosylation type 2C; CDG 2C; Leukocyte adhesion deficiency type 2; Rambam Hasharon syndrome. Identifiers: Orphanet 2968, Orphanet 99843, MedGen C0398739, MONDO:0009953, OMIM 266265.

Allele frequency attached by ClinVar (database versions not stated): 1000 Genomes Project 30x 0.12445; 1000 Genomes Project 0.12460; TOPMed 0.16802; gnomAD 0.19261; gnomAD exomes 0.21201.

Submissions (2):

Illumina Laboratory Services, Illumina
Classification: Benign for Leukocyte adhesion deficiency type II. Last evaluated: 2018-01-13. Review status: criteria provided, single submitter. Criteria: ICSL Variant Classification Criteria 13 December 2019. Collection method: clinical testing. Allele origin: germline.
Comment: This variant was observed in the ICSL laboratory as part of a predisposition screen in an ostensibly healthy population. It had not been previously curated by ICSL or reported in the Human Gene Mutation Database (HGMD: prior to June 1st, 2018), and was therefore a candidate for classification through an automated scoring system. Utilizing variant allele frequency, disease prevalence and penetrance estimates, and inheritance mode, an automated score was calculated to assess if this variant is too frequent to cause the disease. Based on the score and internal cut-off values, a variant classified as benign is not then subjected to further curation. The score for this variant resulted in a classification of benign for this disease.

Breakthrough Genomics
Classification: Benign. Review status: criteria provided, single submitter. Criteria: ACMG Guidelines, 2015. Collection method: not provided. Allele origin: germline. Inheritance: Autosomal recessive inheritance. Affected: yes.